The following is an entry in ClinVar:

NM_001165963.4(SCN1A):c.4969C>T (p.Arg1657Cys)

Genes: SCN1A (sodium voltage-gated channel alpha subunit 1; minus strand), LOC102724058 (uncharacterized LOC102724058; plus strand). Cytogenetic location: 2q24.3.
Variant type: single nucleotide variant.
Coding change: c.4969C>T on transcript NM_001165963.4 (MANE Select); coding-DNA position 4969, C replaced by T.
Protein change: p.Arg1657Cys; replaces arginine 1657 with cysteine.
Molecular consequence: missense variant. On other transcripts: non-coding transcript variant (1).
Genome position (GRCh38, 1-based): chr2:165,992,306, G>A on the plus strand (C>T on the coding strand, the complement: SCN1A is on the minus strand). VCF-style: chr2-165992306-G-A. GRCh37 (hg19) VCF-style: chr2-166848816-G-A.
Other names: c.4885C>T, p.Arg1629Cys (NM_001165964.3, NM_001353957.2, NM_001353958.2); c.4969C>T, p.Arg1657Cys (NM_001202435.3, NM_001353948.2); c.4936C>T, p.Arg1646Cys (NM_001353949.2, NM_001353950.2, NM_001353951.2 and 2 more transcripts); c.4933C>T, p.Arg1645Cys (NM_001353954.2, NM_001353955.2); c.4882C>T, p.Arg1628Cys (NM_001353960.2); c.2527C>T, p.Arg843Cys (NM_001353961.2); short protein forms R1646C, R1657C, R1645C, R1628C, R1629C, R843C.
Identifiers: ClinVar variation 68642 (VCV000068642.47), dbSNP rs121918811, ClinGen allele CA266117.

ClinVar aggregate classification (germline): Pathogenic. Review status: criteria provided, multiple submitters, no conflicts (2 of 4 stars). 5 submissions from 5 submitters: Pathogenic (3). 2 of the submissions do not count toward it. Last evaluated 2025-05-28.

Conditions:
Early-infantile DEE. Also called: Ohtahara syndrome; Early infantile epileptic encephalopathy with suppression bursts; Early infantile epileptic encephalopathy. Identifiers: Orphanet 1934, MedGen C0393706, MONDO:0800491.
Generalized epilepsy with febrile seizures plus, type 2 (GEFSP2). Also called: GEFS+, TYPE 2. Identifiers: Orphanet 36387, MedGen C1858673, MONDO:0011461, OMIM 604403.
Generalized epilepsy with febrile seizures plus, type 1 (GEFSP1). Also called: GEFS+, TYPE 1. Identifiers: Orphanet 36387, MedGen C1858672, MONDO:0011416, OMIM 604233.

Allele frequency attached by ClinVar (database versions not stated): gnomAD exomes below 0.00001; TOPMed below 0.00001; gnomAD 0.00001.
gnomAD v4.1: 2 of 1,613,602 alleles (0.00012%); highest among the groups gnomAD compares: Non-Finnish European, 0.000085%; no homozygotes.

Submissions (6):

GeneDx
Classification: Pathogenic. Last evaluated: 2025-05-28. Review status: criteria provided, single submitter. Criteria: GeneDx Variant Classification Process June 2021. Collection method: clinical testing. Allele origin: germline. Affected: yes.
Comment: Published functional studies demonstrate a reduction in whole-cell current density, suggesting decreased number of functional channels at the plasma membrane (PMID: 16380441, 14672992); Not observed at significant frequency in large population cohorts (gnomAD); In silico analysis supports that this missense variant has a deleterious effect on protein structure/function; This substitution is predicted to be within the intracellular loop between the S4 and S5 transmembrane segments of the fourth homologous domain; This variant is associated with the following publications: (PMID: 31782251, 15880351, 20831750, 18804930, 25754450, 14672992, 16550559, 16075039, 16359470, 16380441)

Labcorp Genetics (formerly Invitae), Labcorp
Classification: Pathogenic for Early-infantile DEE. Last evaluated: 2024-06-10. Review status: criteria provided, single submitter. Criteria: Invitae Variant Classification Sherloc (09022015). Collection method: clinical testing. Allele origin: germline.
Comment: This sequence change replaces arginine, which is basic and polar, with cysteine, which is neutral and slightly polar, at codon 1657 of the SCN1A protein (p.Arg1657Cys). This variant is not present in population databases (gnomAD no frequency). This missense change has been observed in individual(s) with clinical features of SCN1A-related conditions (PMID: 14672992, 16359470). It has also been observed to segregate with disease in related individuals. ClinVar contains an entry for this variant (Variation ID: 68642). Advanced modeling of protein sequence and biophysical properties (such as structural, functional, and spatial information, amino acid conservation, physicochemical variation, residue mobility, and thermodynamic stability) performed at Invitae indicates that this missense variant is expected to disrupt SCN1A protein function with a positive predictive value of 95%. Experimental studies have shown that this missense change affects SCN1A function (PMID: 14672992, 16380441). This variant disrupts the p.Arg1657 amino acid residue in SCN1A. Other variant(s) that disrupt this residue have been determined to be pathogenic (PMID: 17347258). This suggests that this residue is clinically significant, and that variants that disrupt this residue are likely to be disease-causing. For these reasons, this variant has been classified as Pathogenic.

CeGaT Center for Human Genetics Tuebingen
Classification: Pathogenic. Last evaluated: 2020-08-01. Review status: criteria provided, single submitter. Criteria: CeGaT Center For Human Genetics Tuebingen Variant Classification Criteria Version 2. Collection method: clinical testing. Allele origin: germline. Affected: yes. Observed: 2 variant alleles.

Channelopathy-Associated Epilepsy Research Center
No classification provided (evidence only). Condition: Severe myoclonic epilepsy in infancy. Review status: no classification provided. Collection method: literature only. Allele origin: not applicable. Functional consequence: Moderate depolarizing shift of voltage dependence of activation, Increase in slope of activation, Normal voltage dependence of fast inactivation, Decrease in slope of fast inactivation, Acceleration of recovery from fast inactivation, Decrease in persistent current, Mild decrease in peak current, Acceleration of entry into slow inactivation, Normal voltage dependence of slow inactivation, Normal slope of slow inactivation, Acceleration of recovery from slow inactivation, Overall mixed or unclear functional effect not able to be clearly categorized as Gain- or Loss-of-Function. Not counted in ClinVar's aggregate classification.
ClinVar note: "not provided" was previously submitted as the classification for the variant. However, the classification appeared to be based only on an observation of functional data so it was converted to no classification on 2025-07-30.

Cytogénomique, Hospices Civils de Lyon
Classification: Pathogenic for Generalized epilepsy with febrile seizures plus, type 2. Review status: no assertion criteria provided. Collection method: clinical testing. Allele origin: unknown. Inheritance: Autosomal dominant inheritance. Affected: yes. Not counted in ClinVar's aggregate classification.

UniProtKB/Swiss-Prot
No classification provided. Condition: Generalized epilepsy with febrile seizures plus, type 1. Review status: no classification provided. Collection method: not provided. Allele origin: not provided. Not counted in ClinVar's aggregate classification.

Literature cited by the submitters: PubMed 14672992 (cited by Labcorp Genetics (formerly Invitae), Labcorp and Channelopathy-Associated Epilepsy Research Center); PubMed 16359470 (cited by Labcorp Genetics (formerly Invitae), Labcorp); PubMed 16380441 (cited by Labcorp Genetics (formerly Invitae), Labcorp); PubMed 17347258 (cited by Labcorp Genetics (formerly Invitae), Labcorp).